The following is an entry in ClinVar:

NM_000719.7(CACNA1C):c.4383G>T (p.Met1461Ile)

Gene: CACNA1C (calcium voltage-gated channel subunit alpha1 C; plus strand). Cytogenetic location: 12p13.33.
Variant type: single nucleotide variant.
Coding change: c.4383G>T on transcript NM_000719.7 (MANE Select); coding-DNA position 4383, G replaced by T.
Protein change: p.Met1461Ile; replaces methionine 1461 with isoleucine.
Molecular consequence: missense variant.
Genome position (GRCh38, 1-based): chr12:2,664,975, G>T. VCF-style: chr12-2664975-G-T. GRCh37 (hg19) VCF-style: chr12-2774141-G-T.
Other names: c.4527G>T, p.Met1509Ile (NM_001129827.2, NM_199460.4); c.4449G>T, p.Met1483Ile (NM_001129829.2); c.4383G>T, p.Met1461Ile (NM_001129830.3, NM_001129833.2, NM_001129834.2 and 7 more transcripts); c.4467G>T, p.Met1489Ile (NM_001129831.2); c.4443G>T, p.Met1481Ile (NM_001129832.2); c.4434G>T, p.Met1478Ile (NM_001129836.2); c.4350G>T, p.Met1450Ile (NM_001129837.2, NM_001129838.2, NM_001129846.2 and 1 more transcripts); c.4344G>T, p.Met1448Ile (NM_001129839.2); and 1 more; short protein forms M1461I, M1478I, M1481I, M1483I, M1489I, M1450I, M1458I, M1509I.
Identifiers: ClinVar variation 3718521 (VCV003718521.2).
Genomic context (GRCh38, chr12:2,664,975, plus strand): 5'-GGAGGGTGAAACACCCTGTGGTAGCAGCTTTGCTGTCTTCTACTTCATCAGCTTCTACAT[G>T]CTCTGTGCCTTCCTGGTAAGCCAAGGGGGAACTCAACAGCCAGCAGCCATGACTGCCCAG-3'
Protein context (NP_000710.5, residues 1451-1471): FAVFYFISFY[Met1461Ile]LCAFLIINLF

ClinVar aggregate classification (germline): Uncertain significance (1 of 4 stars; one submission).

Conditions:
Long QT syndrome (LQTS). Identifiers: MedGen C0023976, MeSH D008133, MONDO:0002442. Disease mechanism: loss of function. Inheritance: Various modes of inheritance.

Submission:

Labcorp Genetics (formerly Invitae), Labcorp
Classification: Uncertain significance for Long QT syndrome. Last evaluated: 2024-10-30. Review status: criteria provided, single submitter. Criteria: Invitae Variant Classification Sherloc (09022015). Collection method: clinical testing. Allele origin: germline.
Comment: This sequence change replaces methionine, which is neutral and non-polar, with isoleucine, which is neutral and non-polar, at codon 1461 of the CACNA1C protein (p.Met1461Ile). This variant is not present in population databases (gnomAD no frequency). This variant has not been reported in the literature in individuals affected with CACNA1C-related conditions. Invitae Evidence Modeling of protein sequence and biophysical properties (such as structural, functional, and spatial information, amino acid conservation, physicochemical variation, residue mobility, and thermodynamic stability) has been performed for this missense variant. However, the output from this modeling did not meet the statistical confidence thresholds required to predict the impact of this variant on CACNA1C protein function. In summary, the available evidence is currently insufficient to determine the role of this variant in disease. Therefore, it has been classified as a Variant of Uncertain Significance.